The following is an entry in ClinVar:

NM_001127198.5(TMC6):c.315G>A (p.Thr105=)

Gene: TMC6 (transmembrane channel like 6; minus strand). Cytogenetic location: 17q25.3.
Variant type: single nucleotide variant.
Coding change: c.315G>A on transcript NM_001127198.5 (MANE Select); coding-DNA position 315, G replaced by A.
Protein change: p.Thr105=; no amino-acid change (threonine 105 retained).
Molecular consequence: synonymous variant. On other transcripts: non-coding transcript variant (4).
Genome position (GRCh38, 1-based): chr17:78,125,841, C>T on the plus strand (G>A on the coding strand, the complement: TMC6 is on the minus strand). VCF-style: chr17-78125841-C-T. GRCh37 (hg19) VCF-style: chr17-76121922-C-T.
Other names: c.315G>A, p.Thr105= (NM_001321185.1, NM_001374593.1, NM_001374594.1 and 4 more transcripts).
Identifiers: ClinVar variation 456015 (VCV000456015.14), dbSNP rs139557408, ClinGen allele CA8796166.

ClinVar aggregate classification (germline): Likely benign. Review status: criteria provided, multiple submitters, no conflicts (2 of 4 stars). 3 submissions from 3 submitters: Likely benign (3). Last evaluated 2026-02-03.

Conditions:
TMC6-related disorder. Also called: TMC6-related condition.
Epidermodysplasia verruciformis. Identifiers: Orphanet 302, MedGen C0014522, MONDO:0009176.

Allele frequency attached by ClinVar (database versions not stated): gnomAD exomes 0.00198 and 0.00095; ExAC 0.00103; ESP Exome Variant Server 0.00104; TOPMed 0.00117; gnomAD 0.00122 and 0.00125.
gnomAD v4.1: 2,955 of 1,552,718 alleles (0.19%); highest among the groups gnomAD compares: Middle Eastern, 0.37%; 4 homozygotes.

Submissions (3):

Labcorp Genetics (formerly Invitae), Labcorp
Classification: Likely benign for Epidermodysplasia verruciformis. Last evaluated: 2026-02-03. Review status: criteria provided, single submitter. Criteria: Invitae Variant Classification Sherloc (09022015). Collection method: clinical testing. Allele origin: germline.

PreventionGenetics, part of Exact Sciences
Classification: Likely benign for TMC6-related condition. Last evaluated: 2024-12-02. Review status: criteria provided, single submitter. Criteria: ACMG Guidelines, 2015. Collection method: clinical testing. Allele origin: germline.
Comment: This variant is classified as likely benign based on ACMG/AMP sequence variant interpretation guidelines (Richards et al. 2015 PMID: 25741868, with internal and published modifications).

Blueprint Genetics
Classification: Likely benign. Last evaluated: 2024-11-25. Review status: criteria provided, single submitter. Criteria: ACMG Guidelines, 2015. Collection method: clinical testing. Allele origin: germline.